The following is an entry in ClinVar:

NM_018230.3(NUP133):c.3127G>A (p.Ala1043Thr)

Gene: NUP133 (nucleoporin 133; minus strand). Cytogenetic location: 1q42.13.
Variant type: single nucleotide variant.
Coding change: c.3127G>A on transcript NM_018230.3 (MANE Select); coding-DNA position 3127, G replaced by A.
Protein change: p.Ala1043Thr; replaces alanine 1043 with threonine.
Molecular consequence: missense variant.
Genome position (GRCh38, 1-based): chr1:229,450,578, C>T on the plus strand (G>A on the coding strand, the complement: NUP133 is on the minus strand). VCF-style: chr1-229450578-C-T. GRCh37 (hg19) VCF-style: chr1-229586325-C-T.
Other names: short protein forms A1043T.
Identifiers: ClinVar variation 4732439 (VCV004732439.1).

ClinVar aggregate classification (germline): Uncertain significance (1 of 4 stars; one submission).

Submission:

Labcorp Genetics (formerly Invitae), Labcorp
Classification: Uncertain significance. Last evaluated: 2025-12-03. Review status: criteria provided, single submitter. Criteria: Invitae Variant Classification Sherloc (09022015). Collection method: clinical testing. Allele origin: germline.
Comment: This sequence change replaces alanine, which is neutral and non-polar, with threonine, which is neutral and polar, at codon 1043 of the NUP133 protein (p.Ala1043Thr). This variant is not present in population databases (gnomAD no frequency). This variant has not been reported in the literature in individuals affected with NUP133-related conditions. An algorithm developed to predict the effect of missense changes on protein structure and function (PolyPhen-2) suggests that this variant is likely to be disruptive. In summary, the available evidence is currently insufficient to determine the role of this variant in disease. Therefore, it has been classified as a Variant of Uncertain Significance.